The following is an entry in ClinVar:

NM_000260.4(MYO7A):c.6051+1G>A

Gene: MYO7A (myosin VIIA; plus strand). Cytogenetic location: 11q13.5.
Variant type: single nucleotide variant.
Coding change: c.6051+1G>A on transcript NM_000260.4 (MANE Select); the canonical splice donor site of the intron after coding-DNA position 6051, G replaced by A.
Molecular consequence: splice donor variant.
Genome position (GRCh38, 1-based): chr11:77,208,804, G>A. VCF-style: chr11-77208804-G-A. GRCh37 (hg19) VCF-style: chr11-76919849-G-A.
Other names: c.5904+1G>A (NM_001369365.1); c.5937+1G>A (NM_001127180.2).
Identifiers: ClinVar variation 558500 (VCV000558500.15), dbSNP rs1403288739, ClinGen allele CA381934774.

ClinVar aggregate classification (germline): Pathogenic/Likely pathogenic. Review status: criteria provided, multiple submitters, no conflicts (2 of 4 stars). 6 submissions from 6 submitters: Pathogenic (3); Likely pathogenic (2). 1 of the submissions does not count toward it. Last evaluated 2025-08-13.

Conditions:
MYO7A-related disorder. Also called: MYO7A-related disorders.
Autosomal recessive nonsyndromic hearing loss 2. Also called: DEAFNESS, AUTOSOMAL RECESSIVE 2; NEUROSENSORY NONSYNDROMIC RECESSIVE DEAFNESS 2. Identifiers: Orphanet 90636, MedGen C1838701, MONDO:0010807, OMIM 600060.
Usher syndrome type 1 (USH1). Also called: RETINITIS PIGMENTOSA AND CONGENITAL DEAFNESS. Identifiers: Orphanet 231169, Orphanet 886, MedGen C1568247, MONDO:0010168, OMIM 276900.
Autosomal recessive MYO7A-related disorders.
Autosomal dominant nonsyndromic hearing loss 11. Identifiers: Orphanet 90635, MedGen C1832475, MONDO:0011032, OMIM 601317.

Submissions (6):

Myriad Genetics, Inc.
Classification: Likely pathogenic for Usher syndrome type 1. Last evaluated: 2025-08-13. Review status: criteria provided, single submitter. Criteria: Myriad Autosomal Dominant, Autosomal Recessive and X-Linked Classification Criteria (2023). Collection method: clinical testing. Allele origin: unknown.
Comment: NM_000260.3(MYO7A):c.6051+1G>A is a variant in a canonical splice site classified as likely pathogenic in the context of MYO7A-related disorders. c.6051+1G>A has been observed in cases with relevant disease (PMID: 23559863, 34416374). Relevant functional assessments of this variant are not available in the literature. c.6051+1G>A has been observed in referenced population frequency databases. In summary, NM_000260.3(MYO7A):c.6051+1G>A is a variant in a canonical splice site in a gene where loss of function is a known mechanism of disease, is predicted to disrupt protein function, and has been observed more frequently in cases with the relevant disease than in healthy populations. Please note: this variant was assessed in the context of healthy population screening.

Variantyx, Inc.
Classification: Likely pathogenic for Autosomal recessive MYO7A-related disorders. Last evaluated: 2025-04-15. Review status: criteria provided, single submitter. Criteria: Variantyx Assertion Criteria 2022. Collection method: clinical testing. Allele origin: germline. Inheritance: Autosomal recessive inheritance. Affected: no.
Comment: This is a canonical splicing variant in the MYO7A gene (OMIM: 276903). Pathogenic variants in this gene have been associated with autosomal recessive MYO7A-related disorders. This splicing variant is expected to result in loss of function, which is a known disease mechanism for MYO7A in these disorders (PMID: 25404053) (PVS1). This variant is absent from control populations (PM2). Based on the current evidence, this variant is classified as likely pathogenic for autosomal recessive MYO7A-related disorders.

Labcorp Genetics (formerly Invitae), Labcorp
Classification: Pathogenic. Last evaluated: 2025-01-21. Review status: criteria provided, single submitter. Criteria: Invitae Variant Classification Sherloc (09022015). Collection method: clinical testing. Allele origin: germline.
Comment: This sequence change affects a donor splice site in intron 44 of the MYO7A gene. It is expected to disrupt RNA splicing. Variants that disrupt the donor or acceptor splice site typically lead to a loss of protein function (PMID: 16199547), and loss-of-function variants in MYO7A are known to be pathogenic (PMID: 8900236, 25404053). This variant is not present in population databases (gnomAD no frequency). Disruption of this splice site has been observed in individual(s) with Usher syndrome (PMID: 23559863). It has also been observed to segregate with disease in related individuals. ClinVar contains an entry for this variant (Variation ID: 558500). Algorithms developed to predict the effect of sequence changes on RNA splicing suggest that this variant may disrupt the consensus splice site. For these reasons, this variant has been classified as Pathogenic.

Blueprint Genetics
Classification: Pathogenic for MYO7A-related disorders. Last evaluated: 2023-01-23. Review status: criteria provided, single submitter. Criteria: ACMG Guidelines, 2015. Collection method: clinical testing. Allele origin: germline. Affected: yes. Observed: 3 variant alleles.

Juno Genomics, Hangzhou Juno Genomics, Inc
Classification: Pathogenic for Autosomal dominant nonsyndromic hearing loss 11; Autosomal recessive nonsyndromic hearing loss 2; Usher syndrome type 1. Review status: criteria provided, single submitter. Criteria: ACMG Guidelines, 2015. Collection method: clinical testing. Allele origin: germline. Affected: yes.
Comment: Absent from controls (or at extremely low frequency if recessive) in Genome Aggregation Database.;Null variant in a gene where loss of function (LOF) is a known mechanism of disease.;For recessive disorders, detected in trans with a pathogenic variant.;Patient's phenotype or family history is highly specific for a disease with a single genetic etiology.;Co-segregation with disease in multiple affected family members.

Counsyl
Classification: Likely pathogenic for Usher syndrome type 1; Autosomal recessive nonsyndromic hearing loss 2. Last evaluated: 2018-05-23. Review status: no assertion criteria provided. Collection method: clinical testing. Allele origin: unknown. Not counted in ClinVar's aggregate classification.

Literature cited by the submitters: PubMed 23559863 (cited by 3 submitters); PubMed 34416374 (cited by Myriad Genetics, Inc.); PubMed 25404053 (cited by Variantyx, Inc. and Labcorp Genetics (formerly Invitae), Labcorp); PubMed 16199547 (cited by Labcorp Genetics (formerly Invitae), Labcorp); PubMed 8900236 (cited by Labcorp Genetics (formerly Invitae), Labcorp).